The following is an entry in ClinVar:

ClinVar aggregate classification (germline): Conflicting classifications of pathogenicity. Review status: criteria provided, conflicting classifications (1 of 4 stars). 4 submissions from 4 submitters: Uncertain significance (2); Benign (1). 1 of the submissions does not count toward it. Last evaluated 2026-02-01.

Conditions:
COL6A3-related disorder. Also called: COL6A3-related condition; COL6A3-related disorders.
Inborn genetic diseases. Identifiers: MedGen C0950123, MeSH D030342.
Bethlem myopathy 1A. Also called: MYOPATHY, BENIGN CONGENITAL, WITH CONTRACTURES; Bethlem myopathy 1; Bethlem Muscular Dystrophy. Identifiers: Orphanet 610, MedGen CN029274, MONDO:0024530, OMIM 158810.

Allele frequency attached by ClinVar (database versions not stated): ExAC 0.00002; gnomAD exomes 0.00002; TOPMed 0.00004; gnomAD 0.00005 and 0.00006.
gnomAD v4.1: 49 of 1,614,124 alleles (0.003%); highest among the groups gnomAD compares: Non-Finnish European, 0.0036%; no homozygotes.

Submissions (4):

Labcorp Genetics (formerly Invitae), Labcorp
Classification: Benign for Bethlem myopathy 1A. Last evaluated: 2026-02-01. Review status: criteria provided, single submitter. Criteria: Invitae Variant Classification Sherloc (09022015). Collection method: clinical testing. Allele origin: germline.

Ambry Genetics
Classification: Uncertain significance for Inborn genetic diseases. Last evaluated: 2024-08-14. Review status: criteria provided, single submitter. Criteria: Ambry Variant Classification Scheme 2023. Collection method: clinical testing. Allele origin: germline.

Eurofins Ntd Llc (ga)
Classification: Uncertain significance. Last evaluated: 2018-05-31. Review status: criteria provided, single submitter. Criteria: EGL ClinVar v180209 classification definitions. Collection method: clinical testing. Allele origin: germline. Observed: 2 variant alleles, 2 heterozygotes.

PreventionGenetics, part of Exact Sciences
Classification: Uncertain significance for COL6A3-related condition. Last evaluated: 2024-04-03. Review status: no assertion criteria provided. Collection method: clinical testing. Allele origin: germline. Not counted in ClinVar's aggregate classification.
Comment: The COL6A3 c.550G>A variant is predicted to result in the amino acid substitution p.Ala184Thr. To our knowledge, this variant has not been reported in the literature. This variant is reported in 0.0040% of alleles in individuals of African descent in gnomAD. At this time, the clinical significance of this variant is uncertain due to the absence of conclusive functional and genetic evidence.

NM_004369.4(COL6A3):c.550G>A (p.Ala184Thr)

Gene: COL6A3 (collagen type VI alpha 3 chain; minus strand). Cytogenetic location: 2q37.3.
Variant type: single nucleotide variant.
Coding change: c.550G>A on transcript NM_004369.4 (MANE Select); coding-DNA position 550, G replaced by A.
Protein change: p.Ala184Thr; replaces alanine 184 with threonine.
Molecular consequence: missense variant. On other transcripts: intron variant (4).
Genome position (GRCh38, 1-based): chr2:237,394,746, C>T on the plus strand (G>A on the coding strand, the complement: COL6A3 is on the minus strand). VCF-style: chr2-237394746-C-T. GRCh37 (hg19) VCF-style: chr2-238303389-C-T.
Other names: c.91+1981G>A (NM_057166.5, NM_057167.4, NM_057164.5 and 1 more transcripts); short protein forms A184T.
Identifiers: ClinVar variation 501196 (VCV000501196.18), dbSNP rs767499336, ClinGen allele CA2189842.